The following is an entry in ClinVar:

ClinVar aggregate classification (germline): Likely pathogenic. Review status: criteria provided, single submitter (1 of 4 stars). 2 submissions from 2 submitters: Likely pathogenic (1). 1 of the submissions does not count toward it. Last evaluated 2024-02-15.

Conditions:
Deficiency of galactokinase. Also called: Galactokinase deficiency with cataracts; GALACTOSEMIA II. Identifiers: Orphanet 352, Orphanet 79237, MedGen C0268155, MONDO:0009255, OMIM 230200.

gnomAD v4.1: 1 of 1,613,256 alleles (0.000062%); highest among the groups gnomAD compares: Non-Finnish European, 0.000085%; no homozygotes.

Submissions (2):

Labcorp Genetics (formerly Invitae), Labcorp
Classification: Likely pathogenic for Deficiency of galactokinase. Last evaluated: 2024-02-15. Review status: criteria provided, single submitter. Criteria: Invitae Variant Classification Sherloc (09022015). Collection method: clinical testing. Allele origin: germline.
Comment: This sequence change affects an acceptor splice site in intron 4 of the GALK1 gene. It is expected to disrupt RNA splicing. Variants that disrupt the donor or acceptor splice site typically lead to a loss of protein function (PMID: 16199547), and loss-of-function variants in GALK1 are known to be pathogenic (PMID: 7670469, 10790206). This variant is not present in population databases (gnomAD no frequency). This variant has not been reported in the literature in individuals affected with GALK1-related conditions. ClinVar contains an entry for this variant (Variation ID: 555178). Algorithms developed to predict the effect of sequence changes on RNA splicing suggest that this variant may disrupt the consensus splice site. In summary, the currently available evidence indicates that the variant is pathogenic, but additional data are needed to prove that conclusively. Therefore, this variant has been classified as Likely Pathogenic.

Counsyl
Classification: Likely pathogenic for Deficiency of galactokinase. Last evaluated: 2017-11-21. Review status: no assertion criteria provided. Collection method: clinical testing. Allele origin: unknown. Not counted in ClinVar's aggregate classification.

Literature cited by the submitters: PubMed 16199547 (cited by Labcorp Genetics (formerly Invitae), Labcorp); PubMed 7670469 (cited by Labcorp Genetics (formerly Invitae), Labcorp); PubMed 10790206 (cited by Labcorp Genetics (formerly Invitae), Labcorp).

NM_000154.2(GALK1):c.612-1G>A

Gene: GALK1 (galactokinase 1; minus strand). Cytogenetic location: 17q25.1.
Variant type: single nucleotide variant.
Coding change: c.612-1G>A on transcript NM_000154.2 (MANE Select); the canonical splice acceptor site of the intron before coding-DNA position 612, G replaced by A.
Molecular consequence: splice acceptor variant.
Genome position (GRCh38, 1-based): chr17:75,762,886, C>T on the plus strand (G>A on the coding strand, the complement: GALK1 is on the minus strand). VCF-style: chr17-75762886-C-T. GRCh37 (hg19) VCF-style: chr17-73758967-C-T.
Other names: c.612-1G>A (NM_001381985.1).
Identifiers: ClinVar variation 555178 (VCV000555178.4), dbSNP rs1555748556, ClinGen allele CA401103990.